The following is an entry in ClinVar:

ClinVar aggregate classification (germline): Benign/Likely benign. Review status: criteria provided, multiple submitters, no conflicts (2 of 4 stars). 4 submissions from 4 submitters: Benign (1); Likely benign (3). Last evaluated 2026-02-02.

Conditions:
Cerebral creatine deficiency syndrome. Also called: Creatine deficiency syndromes. Identifiers: Orphanet 79172, MedGen C5244016, MONDO:0000456.

Allele frequency attached by ClinVar (database versions not stated): gnomAD 0.00001; TOPMed 0.00003; gnomAD exomes 0.00004 and 0.00007; ExAC 0.00012.
gnomAD v4.1: 67 of 1,572,142 alleles (0.0043%); highest among the groups gnomAD compares: Middle Eastern, 0.017%; no homozygotes.

Submissions (4):

Labcorp Genetics (formerly Invitae), Labcorp
Classification: Likely benign for Cerebral creatine deficiency syndrome. Last evaluated: 2026-02-02. Review status: criteria provided, single submitter. Criteria: Invitae Variant Classification Sherloc (09022015). Collection method: clinical testing. Allele origin: germline.

Blueprint Genetics
Classification: Likely benign. Last evaluated: 2017-08-28. Review status: criteria provided, single submitter. Criteria: ACMG Guidelines, 2015. Collection method: clinical testing. Allele origin: germline.

GeneDx
Classification: Benign. Last evaluated: 2015-01-19. Review status: criteria provided, single submitter. Criteria: GeneDx Variant Classification (06012015). Collection method: clinical testing. Allele origin: germline. Affected: yes.
Comment: This variant is considered likely benign or benign based on one or more of the following criteria: it is a conservative change, it occurs at a poorly conserved position in the protein, it is predicted to be benign by multiple in silico algorithms, and/or has population frequency not consistent with disease.

PreventionGenetics, part of Exact Sciences
Classification: Likely benign. Review status: criteria provided, single submitter. Criteria: ACMG Guidelines, 2015. Collection method: clinical testing. Allele origin: germline.

NM_000156.6(GAMT):c.312A>G (p.Pro104=)

Gene: GAMT (guanidinoacetate N-methyltransferase; minus strand). Cytogenetic location: 19p13.3.
Variant type: single nucleotide variant.
Coding change: c.312A>G on transcript NM_000156.6 (MANE Select); coding-DNA position 312, A replaced by G.
Protein change: p.Pro104=; no amino-acid change (proline 104 retained).
Molecular consequence: synonymous variant.
Genome position (GRCh38, 1-based): chr19:1,399,808, T>C on the plus strand (A>G on the coding strand, the complement: GAMT is on the minus strand). VCF-style: chr19-1399808-T-C. GRCh37 (hg19) VCF-style: chr19-1399807-T-C.
Other names: p.P104P:CCA>CCG; c.312A>G, p.Pro104= (NM_138924.3).
Identifiers: ClinVar variation 205565 (VCV000205565.13), dbSNP rs779679242, ClinGen allele CA314778.